The following is an entry in ClinVar:

NM_001042492.3(NF1):c.5515A>G (p.Ile1839Val)

Gene: NF1 (neurofibromin 1; plus strand). Cytogenetic location: 17q11.2.
Variant type: single nucleotide variant.
Coding change: c.5515A>G on transcript NM_001042492.3 (MANE Select); coding-DNA position 5515, A replaced by G.
Protein change: p.Ile1839Val; replaces isoleucine 1839 with valine.
Molecular consequence: missense variant.
Genome position (GRCh38, 1-based): chr17:31,327,745, A>G. VCF-style: chr17-31327745-A-G. GRCh37 (hg19) VCF-style: chr17-29654763-A-G.
Other names: c.5452A>G, p.Ile1818Val (NM_000267.4); short protein forms I1818V, I1839V.
Identifiers: ClinVar variation 1318478 (VCV001318478.4), dbSNP rs2151541625, ClinGen allele CA399009700.

ClinVar aggregate classification (germline): Uncertain significance. Review status: criteria provided, multiple submitters, no conflicts (2 of 4 stars). 3 submissions from 3 submitters: Uncertain significance (3). Last evaluated 2025-07-16.

Conditions:
Hereditary cancer-predisposing syndrome. Also called: Neoplastic Syndromes, Hereditary; Hereditary Cancer Syndrome; Tumor predisposition; Hereditary neoplastic syndrome. Identifiers: Orphanet 140162, MedGen C0027672, MeSH D009386, MONDO:0015356.
Cardiovascular phenotype. Identifiers: MedGen CN230736.
Neurofibromatosis, type 1 (NF1). Also called: NEUROFIBROMATOSIS, TYPE I, SOMATIC; Peripheral type neurofibromatosis; Neurofibromatosis, type I; VON RECKLINGHAUSEN DISEASE. Identifiers: Orphanet 636, MedGen C0027831, MONDO:0018975, OMIM 162200. Disease mechanism: loss of function.

Submissions (3):

Labcorp Genetics (formerly Invitae), Labcorp
Classification: Uncertain significance for Neurofibromatosis, type 1. Last evaluated: 2025-07-16. Review status: criteria provided, single submitter. Criteria: Invitae Variant Classification Sherloc (09022015). Collection method: clinical testing. Allele origin: germline.
Comment: This sequence change replaces isoleucine, which is neutral and non-polar, with valine, which is neutral and non-polar, at codon 1818 of the NF1 protein (p.Ile1818Val). This variant is not present in population databases (gnomAD no frequency). This variant has not been reported in the literature in individuals affected with NF1-related conditions. ClinVar contains an entry for this variant (Variation ID: 1318478). Invitae Evidence Modeling of protein sequence and biophysical properties (such as structural, functional, and spatial information, amino acid conservation, physicochemical variation, residue mobility, and thermodynamic stability) has been performed for this missense variant. However, the output from this modeling did not meet the statistical confidence thresholds required to predict the impact of this variant on NF1 protein function. In summary, the available evidence is currently insufficient to determine the role of this variant in disease. Therefore, it has been classified as a Variant of Uncertain Significance.

Ambry Genetics
Classification: Uncertain significance for Cardiovascular phenotype; Hereditary cancer-predisposing syndrome. Last evaluated: 2025-05-23. Review status: criteria provided, single submitter. Criteria: Ambry Variant Classification Scheme 2023. Collection method: clinical testing. Allele origin: germline.
Comment: The p.I1818V variant (also known as c.5452A>G), located in coding exon 37 of the NF1 gene, results from an A to G substitution at nucleotide position 5452. The isoleucine at codon 1818 is replaced by valine, an amino acid with highly similar properties. This amino acid position is conserved. In addition, the in silico prediction for this alteration is inconclusive. Based on the available evidence, the clinical significance of this variant remains unclear.

GeneDx
Classification: Uncertain significance. Last evaluated: 2019-11-05. Review status: criteria provided, single submitter. Criteria: GeneDx Variant Classification Process June 2021. Collection method: clinical testing. Allele origin: germline. Affected: yes.
Comment: Not observed in large population cohorts (Lek et al., 2016); In silico analysis, which includes protein predictors and evolutionary conservation, supports that this variant does not alter protein structure/function; Has not been previously published as pathogenic or benign to our knowledge